The following is an entry in ClinVar:

NM_015147.3(CEP68):c.1698C>T (p.His566=)

Gene: CEP68 (centrosomal protein 68; plus strand). Cytogenetic location: 2p14.
Variant type: single nucleotide variant.
Coding change: c.1698C>T on transcript NM_015147.3 (MANE Select); coding-DNA position 1698, C replaced by T.
Protein change: p.His566=; no amino-acid change (histidine 566 retained).
Molecular consequence: synonymous variant. On other transcripts: non-coding transcript variant (1), intron variant (1).
Genome position (GRCh38, 1-based): chr2:65,072,794, C>T. VCF-style: chr2-65072794-C-T. GRCh37 (hg19) VCF-style: chr2-65299928-C-T.
Other names: c.1698C>T, p.His566= (NM_001319100.2); c.1473+225C>T (NM_001319101.2).
Identifiers: ClinVar variation 708967 (VCV000708967.28), dbSNP rs188040350, ClinGen allele CA1686618.

ClinVar aggregate classification (germline): Benign/Likely benign. Review status: criteria provided, multiple submitters, no conflicts (2 of 4 stars). 3 submissions from 3 submitters: Benign (2); Likely benign (1). Last evaluated 2025-02-01.

Allele frequency attached by ClinVar (database versions not stated): TOPMed 0.00285; ESP Exome Variant Server 0.00307; gnomAD exomes 0.00388 and 0.00526; gnomAD 0.00542 and 0.00565; ExAC 0.00543; 1000 Genomes Project 30x 0.00094; 1000 Genomes Project 0.00100.
gnomAD v4.1: 6,499 of 1,614,160 alleles (0.4%); highest among the groups gnomAD compares: Non-Finnish European, 0.37%; 60 homozygotes.

Submissions (3):

CeGaT Center for Human Genetics Tuebingen
Classification: Likely benign. Last evaluated: 2025-02-01. Review status: criteria provided, single submitter. Criteria: CeGaT Center For Human Genetics Tuebingen Variant Classification Criteria Version 2. Collection method: clinical testing. Allele origin: germline. Affected: yes. Observed: 2 variant alleles.
Comment: CEP68: BP4, BP7, BS2

Labcorp Genetics (formerly Invitae), Labcorp
Classification: Benign. Last evaluated: 2017-12-27. Review status: criteria provided, single submitter. Criteria: Invitae Variant Classification Sherloc (09022015). Collection method: clinical testing. Allele origin: germline.

Breakthrough Genomics
Classification: Benign. Review status: criteria provided, single submitter. Criteria: ACMG Guidelines, 2015. Collection method: not provided. Allele origin: germline. Inheritance: Unknown mechanism. Affected: yes.